The following is an entry in ClinVar:

ClinVar aggregate classification (germline): Pathogenic/Likely pathogenic. Review status: criteria provided, multiple submitters, no conflicts (2 of 4 stars). 2 submissions from 2 submitters: Pathogenic (1); Likely pathogenic (1). Last evaluated 2025-07-16.

Conditions:
Osteogenesis imperfecta, perinatal lethal (OI2). Also called: OI, TYPE II; OSTEOGENESIS IMPERFECTA CONGENITA; Osteogenesis imperfecta, dominant perinatal lethal; VROLIK TYPE OF OSTEOGENESIS IMPERFECTA; Osteogenesis imperfecta type 2; OSTEOGENESIS IMPERFECTA, TYPE II. Identifiers: Orphanet 216804, MedGen C0268358, MONDO:0008147, OMIM 166210.
Osteogenesis imperfecta type III (OI3). Also called: Osteogenesis imperfecta type 3; OI type 3; Osteogenesis imperfecta, progressively deforming with normal sclerae; OI type III; Progressively Deforming Osteogenesis Imperfecta. Identifiers: Orphanet 216812, Orphanet 666, MedGen C0268362, MONDO:0009804, OMIM 259420.
Infantile cortical hyperostosis. Also called: Caffey Disease; Hyperostosis, Cortical, Congenital; P1PK BLOOD GROUP SYSTEM, P(2) PHENOTYPE. Identifiers: Orphanet 1310, MedGen C0020497, MONDO:0007244, OMIM 114000.
Ehlers-Danlos syndrome, arthrochalasia type. Also called: Ehlers-Danlos syndrome, arthrochalasia type, 1; ARTHROCHALASIS MULTIPLEX CONGENITA; Ehlers-Danlos syndrome, arthrochalasis type; EDS VII, MUTANT PROCOLLAGEN TYPE; EDS VIIA. Identifiers: Orphanet 1899, Orphanet 99875, Orphanet 99876, MedGen C4551623, MONDO:0007525, OMIM 130060.
Osteogenesis imperfecta type I (OI1). Also called: OI, TYPE I; OSTEOGENESIS IMPERFECTA TARDA; OSTEOGENESIS IMPERFECTA WITH BLUE SCLERAE; Osteogenesis imperfecta type 1; Lobstein disease; Lobstein's Disease. Identifiers: Orphanet 216796, Orphanet 666, MedGen C0023931, MONDO:0008146, OMIM 166200. Disease mechanism: loss of function.
Combined osteogenesis imperfecta and Ehlers-Danlos syndrome 1. Also called: OIEDS SYNDROME 1. Identifiers: MedGen C5436842, MONDO:0030854, OMIM 619115.
Osteogenesis imperfecta with normal sclerae, dominant form (OI4). Also called: OSTEOGENESIS IMPERFECTA WITH NORMAL SCLERAE; Osteogenesis imperfecta type 4; Osteogenesis Imperfecta Type IV; OSTEOGENESIS IMPERFECTA, TYPE IV, WITH DENTINOGENESIS IMPERFECTA; Common Variable Osteogenesis Imperfecta with Normal Sclerae. Identifiers: Orphanet 216820, Orphanet 666, MedGen C0268363, MONDO:0008148, OMIM 166220.
Osteoporosis. Identifiers: MedGen C0029456, MONDO:0005298, OMIM 166710, HP:0000939.

Submissions (2):

Clinical Biomedical Laboratory, Shriners Hospital For Children - Canada
Classification: Pathogenic for Osteogenesis imperfecta with normal sclerae, dominant form. Last evaluated: 2025-07-16. Review status: criteria provided, single submitter. Criteria: ACMG Guidelines, 2015. Collection method: clinical testing. Allele origin: germline. Affected: yes.
Comment: This variant is predicted to substitute a glycine residue by a glutamic acid residue in the alpha 1 chain of collagen type I.Glycine substitutions in the triple helical domain of collagen type I cause disruption in the formation of the triple helix in the collagen molecule and are a typical cause of osteogenesis imperfecta, which is the clinical diagnosis of the proband. This variant is absent from the Genome Aggregation Database (v2.1.1). This specific variant has been reported in the literature (PMID 21667357). We have not observed this specific variant in our laboratory variant database. However we have observed, different amino acid changes of the same glycine residue (p.Gly212Asp and p.Gly212Arg) in individuals diagnosed with osteogenesis imperfecta type IV.

Juno Genomics, Hangzhou Juno Genomics, Inc
Classification: Likely pathogenic for Infantile cortical hyperostosis; Ehlers-Danlos syndrome, arthrochalasia type; Osteogenesis imperfecta type I; Osteogenesis imperfecta, perinatal lethal; Osteogenesis imperfecta type III; Osteogenesis imperfecta with normal sclerae, dominant form; Osteoporosis; Combined osteogenesis imperfecta and Ehlers-Danlos syndrome 1. Review status: criteria provided, single submitter. Criteria: ACMG Guidelines, 2015. Collection method: clinical testing. Allele origin: germline. Affected: yes.
Comment: Absent from controls (or at extremely low frequency if recessive) in Genome Aggregation Database, Exome Sequencing Project, 1000 Genomes Project, or Exome Aggregation Consortium.;Multiple lines of computational evidence support a deleterious effect on the gene or gene product (conservation, evolutionary, splicing impact, etc).;Missense variant in a gene that has a low rate of benign missense variation and where missense variants are a common mechanism of disease.;Located in a mutational hot spot and/or critical and well-established functional domain (e.g. active site of an enzyme) without benign variation.;The prevalence of the variant in affected individuals is significantly increased compared to the prevalence in controls.

Literature cited by the submitters: PubMed 21667357 (cited by Clinical Biomedical Laboratory, Shriners Hospital For Children - Canada).

NM_000088.4(COL1A1):c.635G>A (p.Gly212Glu)

Gene: COL1A1 (collagen type I alpha 1 chain; minus strand). Cytogenetic location: 17q21.33.
Variant type: single nucleotide variant.
Coding change: c.635G>A on transcript NM_000088.4 (MANE Select); coding-DNA position 635, G replaced by A.
Protein change: p.Gly212Glu; replaces glycine 212 with glutamic acid.
Molecular consequence: missense variant.
Genome position (GRCh38, 1-based): chr17:50,197,956, C>T on the plus strand (G>A on the coding strand, the complement: COL1A1 is on the minus strand). VCF-style: chr17-50197956-C-T. GRCh37 (hg19) VCF-style: chr17-48275317-C-T.
Other names: short protein forms G212E.
Identifiers: ClinVar variation 3382929 (VCV003382929.3).